The following is an entry in ClinVar:

ClinVar aggregate classification (germline): Uncertain significance (1 of 4 stars; one submission).

Conditions:
Hereditary spastic paraplegia 48. Also called: SPASTIC PARAPLEGIA 48, AUTOSOMAL RECESSIVE; Spastic paraplegia 48. Identifiers: Orphanet 306511, MedGen C3150901, MONDO:0013342, OMIM 613647.

Submission:

Labcorp Genetics (formerly Invitae), Labcorp
Classification: Uncertain significance for Spastic paraplegia 48, autosomal recessive. Last evaluated: 2018-08-31. Review status: criteria provided, single submitter. Criteria: Invitae Variant Classification Sherloc (09022015). Collection method: clinical testing. Allele origin: germline.
Comment: This sequence change falls in intron 11 of the AP5Z1 gene. It does not directly change the encoded amino acid sequence of the AP5Z1 protein, but it affects a nucleotide within the consensus splice site of the intron. The frequency data for this variant in the population databases is considered unreliable, as metrics indicate insufficient coverage at this position in the ExAC database. This variant has not been reported in the literature in individuals with AP5Z1-related disease. Nucleotide substitutions within the consensus splice site are a relatively common cause of aberrant splicing (PMID: 17576681, 9536098). Algorithms developed to predict the effect of sequence changes on RNA splicing suggest that this variant may disrupt the consensus splice site, but this prediction has not been confirmed by published transcriptional studies. In summary, the available evidence is currently insufficient to determine the role of this variant in disease. Therefore, it has been classified as a Variant of Uncertain Significance.

NM_014855.3(AP5Z1):c.1454+5G>T

Gene: AP5Z1 (adaptor related protein complex 5 subunit zeta 1; plus strand). Cytogenetic location: 7p22.1.
Variant type: single nucleotide variant.
Coding change: c.1454+5G>T on transcript NM_014855.3 (MANE Select); 5 bases into the intron after coding-DNA position 1454, G replaced by T.
Molecular consequence: intron variant.
Genome position (GRCh38, 1-based): chr7:4,787,781, G>T. VCF-style: chr7-4787781-G-T. GRCh37 (hg19) VCF-style: chr7-4827412-G-T.
Other names: c.1454+5G>T (LRG_1247t1); c.986+5G>T (NM_001364858.1).
Identifiers: ClinVar variation 643760 (VCV000643760.1), dbSNP rs1583236514, ClinGen allele CA915944824.